The following is an entry in ClinVar:

ClinVar aggregate classification (germline): Uncertain significance. Review status: criteria provided, multiple submitters, no conflicts (2 of 4 stars). 2 submissions from 2 submitters: Uncertain significance (2). Last evaluated 2025-12-04.

Conditions:
Hereditary cancer-predisposing syndrome. Also called: Tumor predisposition; Hereditary neoplastic syndrome; Neoplastic Syndromes, Hereditary; Hereditary Cancer Syndrome. Identifiers: Orphanet 140162, MedGen C0027672, MeSH D009386, MONDO:0015356.
Rhabdoid tumor predisposition syndrome 2 (RTPS2). Identifiers: Orphanet 231108, Orphanet 69077, MedGen C2750074, MONDO:0013224, OMIM 613325.

Allele frequency attached by ClinVar (database versions not stated): gnomAD exomes below 0.00001; TOPMed below 0.00001; gnomAD 0.00001.
gnomAD v4.1: 3 of 1,613,054 alleles (0.00019%); highest among the groups gnomAD compares: African/African-American, 0.0013%; no homozygotes.

Submissions (2):

Labcorp Genetics (formerly Invitae), Labcorp
Classification: Uncertain significance for Rhabdoid tumor predisposition syndrome 2. Last evaluated: 2025-12-04. Review status: criteria provided, single submitter. Criteria: Invitae Variant Classification Sherloc (09022015). Collection method: clinical testing. Allele origin: germline.
Comment: This sequence change replaces arginine, which is basic and polar, with cysteine, which is neutral and slightly polar, at codon 1200 of the SMARCA4 protein (p.Arg1200Cys). This variant is not present in population databases (gnomAD no frequency). This variant has not been reported in the literature in individuals affected with SMARCA4-related conditions. ClinVar contains an entry for this variant (Variation ID: 664692). Invitae Evidence Modeling of protein sequence and biophysical properties (such as structural, functional, and spatial information, amino acid conservation, physicochemical variation, residue mobility, and thermodynamic stability) indicates that this missense variant is expected to disrupt SMARCA4 protein function with a positive predictive value of 95%. In summary, the available evidence is currently insufficient to determine the role of this variant in disease. Therefore, it has been classified as a Variant of Uncertain Significance.

Ambry Genetics
Classification: Uncertain significance for Hereditary cancer-predisposing syndrome. Last evaluated: 2023-01-05. Review status: criteria provided, single submitter. Criteria: Ambry Variant Classification Scheme 2023. Collection method: clinical testing. Allele origin: germline.
Comment: The p.R1200C variant (also known as c.3598C>T), located in coding exon 25 of the SMARCA4 gene, results from a C to T substitution at nucleotide position 3598. The arginine at codon 1200 is replaced by cysteine, an amino acid with highly dissimilar properties. This amino acid position is highly conserved in available vertebrate species. In addition, this alteration is predicted to be deleterious by in silico analysis. Missense and in-frame variants in SMARCA4 are known to cause neurodevelopmental disorders; however, such associations with rhabdoid tumor predisposition syndrome including small cell carcinoma of the ovary-hypercalcemic type (SCCOHT) are exceedingly rare (Kosho T et al. Am J Med Genet C Semin Med Genet. 2014 Sep;166C(3):262-75; Jelinic P et al. Nat Genet. 2014 May;46(5):424-6). Since supporting evidence is limited at this time, the clinical significance of this alteration remains unclear.

NM_003072.5(SMARCA4):c.3598C>T (p.Arg1200Cys)

Gene: SMARCA4 (SWI/SNF related BAF chromatin remodeling complex subunit ATPase 4; plus strand). Cytogenetic location: 19p13.2.
Variant type: single nucleotide variant.
Coding change: c.3598C>T on transcript NM_003072.5 (MANE Select); coding-DNA position 3598, C replaced by T.
Protein change: p.Arg1200Cys; replaces arginine 1200 with cysteine.
Molecular consequence: missense variant. On other transcripts: non-coding transcript variant (1).
Genome position (GRCh38, 1-based): chr19:11,033,341, C>T. VCF-style: chr19-11033341-C-T. GRCh37 (hg19) VCF-style: chr19-11144017-C-T.
Other names: c.3598C>T, p.Arg1200Cys (NM_001128844.3, NM_001128845.2, NM_001128846.2 and 5 more transcripts); short protein forms R1200C.
Identifiers: ClinVar variation 664692 (VCV000664692.10), dbSNP rs1600389401, ClinGen allele CA404065335.
Genomic context (GRCh38, chr19:11,033,341, plus strand): 5'-TTCCCCCAGGACCTGCAAGCGCAGGACCGAGCCCACCGCATCGGGCAGCAGAACGAGGTG[C>T]GTGTGCTCCGCCTCTGCACCGTCAACAGCGTGGAGGAGAAGATCCTAGCTGCAGCCAAGT-3'
Protein context (NP_003063.2, residues 1190-1210): AHRIGQQNEV[Arg1200Cys]VLRLCTVNSV